The following is an entry in ClinVar:

NM_152564.5(VPS13B):c.8044C>T (p.Arg2682Ter)

Gene: VPS13B (vacuolar protein sorting 13 homolog B; plus strand). Cytogenetic location: 8q22.2.
Variant type: single nucleotide variant.
Coding change: c.8044C>T on transcript NM_152564.5 (MANE Select); coding-DNA position 8044, C replaced by T.
Protein change: p.Arg2682Ter; replaces arginine 2682 with a stop codon.
Molecular consequence: nonsense.
Genome position (GRCh38, 1-based): chr8:99,809,477, C>T. VCF-style: chr8-99809477-C-T. GRCh37 (hg19) VCF-style: chr8-100821705-C-T.
Other names: c.8119C>T, p.Arg2707Ter (NM_017890.5); short protein forms R2707*, R2682*.
Identifiers: ClinVar variation 56691 (VCV000056691.11), dbSNP rs386834110, ClinGen allele CA264132.
Genomic context (GRCh38, chr8:99,809,477, plus strand): 5'-TCAGAGCCTTTCAGTGTGGACCATGCCGGGACTTTTATTAGAACAATTCAGTACAGGGGT[C>T]GAACTGCTTCTCTCATCATCAAGGTTCAGCAACTCAATGGAGTACAAAAACAGGTAAGTT-3'

ClinVar aggregate classification (germline): Pathogenic/Likely pathogenic. Review status: criteria provided, multiple submitters, no conflicts (2 of 4 stars). 5 submissions from 5 submitters: Pathogenic (3); Likely pathogenic (1). 1 of the submissions does not count toward it. Last evaluated 2024-10-24.

Conditions:
Cohen syndrome (COH1). Also called: PEPPER SYNDROME; Cutis verticis gyrata, retinitis pigmentosa, and sensorineural deafness. Identifiers: Orphanet 193, MedGen C0265223, MONDO:0008999, OMIM 216550.

Allele frequency attached by ClinVar (database versions not stated): gnomAD exomes below 0.00001; TOPMed below 0.00001; gnomAD 0.00001.
gnomAD v4.1: 9 of 1,613,812 alleles (0.00056%); highest among the groups gnomAD compares: South Asian, 0.0011%; no homozygotes.

Submissions (5):

Labcorp Genetics (formerly Invitae), Labcorp
Classification: Pathogenic for Cohen syndrome. Last evaluated: 2024-10-24. Review status: criteria provided, single submitter. Criteria: Invitae Variant Classification Sherloc (09022015). Collection method: clinical testing. Allele origin: germline.
Comment: This sequence change creates a premature translational stop signal (p.Arg2707*) in the VPS13B gene. It is expected to result in an absent or disrupted protein product. Loss-of-function variants in VPS13B are known to be pathogenic (PMID: 15141358, 16648375, 20461111). This variant is present in population databases (rs386834110, gnomAD 0.003%). This premature translational stop signal has been observed in individual(s) with Cohen syndrome (PMID: 17990063). In at least one individual the data is consistent with being in trans (on the opposite chromosome) from a pathogenic variant. ClinVar contains an entry for this variant (Variation ID: 56691). For these reasons, this variant has been classified as Pathogenic.

Natera, Inc.
Classification: Pathogenic for Cohen syndrome. Last evaluated: 2024-09-17. Review status: criteria provided, single submitter. Criteria: Natera Variant Classification Schema (03/2026). Collection method: clinical testing. Allele origin: germline.
Comment: The c.8119C>T variant in VPS13B is a nonsense variant predicted to introduce a stop codon at amino acid 2707. This variant is expected to result in nonsense mediated decay, truncation, or a dysfunctional protein product. This variant is rare in the general population with a frequency below the threshold expected for the associated phenotype(s). This variant has been observed in one or more individuals affected with the associated recessive disease, as either homozygous or compound heterozygous with a second variant (PMID: 17990063). Given the available evidence, this variant is classified as Pathogenic.

Fulgent Genetics
Classification: Pathogenic for Cohen syndrome. Last evaluated: 2021-07-01. Review status: criteria provided, single submitter. Criteria: ACMG Guidelines, 2015. Collection method: clinical testing. Allele origin: unknown.

Women's Health and Genetics/Laboratory Corporation of America, LabCorp
Classification: Likely pathogenic for Cohen syndrome. Last evaluated: 2019-02-25. Review status: criteria provided, single submitter. Criteria: LabCorp Variant Classification Summary - May 2015. Collection method: clinical testing. Allele origin: germline.
Comment: Variant summary: VPS13B c.8119C>T (p.Arg2707X) results in a premature termination codon, predicted to cause a truncation of the encoded protein or absence of the protein due to nonsense mediated decay, which are commonly known mechanisms for disease. Truncations downstream of this position have been classified as likely pathogenic/pathogenic by our laboratory (eg. c.8515C>T (p.Arg2839X), c.10156dupA (p.Thr3386fsX3), and c.10946G>A (p.Trp3649X)). The variant allele was found at a frequency of 4.1e-06 in 245828 control chromosomes (gnomAD). c.8119C>T has been reported in the literature in a compound heterozygote individual affected with Cohen Syndrome (Katzaki_2007). These data do not allow any conclusion about variant significance. To our knowledge, no experimental evidence demonstrating an impact on protein function has been reported. No clinical diagnostic laboratories have submitted clinical-significance assessments for this variant to ClinVar after 2014. Based on the evidence outlined above, the variant was classified as likely pathogenic.

Juha Muilu Group; Institute for Molecular Medicine Finland (FIMM)
Classification: Likely pathogenic for Cohen syndrome. Review status: no assertion criteria provided. Collection method: not provided. Allele origin: unknown. Not counted in ClinVar's aggregate classification.
Comment: FinDis database variant: This variant was not found or characterized by our laboratory, data were collected from public sources: see reference
ClinVar note: Converted during submission from probable-pathogenic to Likely pathogenic.

Literature cited by the submitters: PubMed 15141358 (cited by Labcorp Genetics (formerly Invitae), Labcorp); PubMed 16648375 (cited by Labcorp Genetics (formerly Invitae), Labcorp); PubMed 20461111 (cited by Labcorp Genetics (formerly Invitae), Labcorp); PubMed 17990063 (cited by 3 submitters); PubMed 19006247 (cited by Women's Health and Genetics/Laboratory Corporation of America, LabCorp).